The following is an entry in ClinVar:

ClinVar aggregate classification (germline): Likely benign. Review status: criteria provided, multiple submitters, no conflicts (2 of 4 stars). 2 submissions from 2 submitters: Likely benign (2). Last evaluated 2025-08-30.

Conditions:
CEP290-related disorder. Also called: CEP290-related condition; CEP290-related disorders. Identifiers: MedGen CN239314.
Nephronophthisis. Also called: Juvenile Nephronophthisis. Identifiers: Orphanet 655, MedGen C0687120, MONDO:0019005, HP:0000090.
Meckel-Gruber syndrome. Also called: DYSENCEPHALIA SPLANCHNOCYSTICA; GRUBER SYNDROME; Dysencephalia splachnocystica. Identifiers: Orphanet 564, MedGen C0265215, MONDO:0018921.
Joubert syndrome. Also called: JOUBERT-BOLTSHAUSER SYNDROME; Familial aplasia of the vermis. Identifiers: Orphanet 475, MedGen C5979921, MONDO:0018772.

Allele frequency attached by ClinVar (database versions not stated): gnomAD exomes below 0.00001.
gnomAD v4.1: 3 of 1,522,978 alleles (0.0002%); highest among the groups gnomAD compares: Non-Finnish European, 0.00026%; no homozygotes.

Submissions (2):

PreventionGenetics, part of Exact Sciences
Classification: Likely benign for CEP290-related condition. Last evaluated: 2025-08-30. Review status: criteria provided, single submitter. Criteria: ACMG Guidelines, 2015. Collection method: clinical testing. Allele origin: germline.
Comment: This variant is classified as likely benign based on ACMG/AMP sequence variant interpretation guidelines (Richards et al. 2015 PMID: 25741868, with internal and published modifications).

Labcorp Genetics (formerly Invitae), Labcorp
Classification: Likely benign for Joubert syndrome; Meckel-Gruber syndrome; Nephronophthisis. Last evaluated: 2019-10-15. Review status: criteria provided, single submitter. Criteria: Invitae Variant Classification Sherloc (09022015). Collection method: clinical testing. Allele origin: germline.

NM_025114.4(CEP290):c.2818-6A>G

Gene: CEP290 (centrosomal protein 290; minus strand). Cytogenetic location: 12q21.32.
Variant type: single nucleotide variant.
Coding change: c.2818-6A>G on transcript NM_025114.4 (MANE Select); 6 bases into the intron before coding-DNA position 2818, A replaced by G.
Molecular consequence: intron variant.
Genome position (GRCh38, 1-based): chr12:88,103,017, T>C on the plus strand (A>G on the coding strand, the complement: CEP290 is on the minus strand). VCF-style: chr12-88103017-T-C. GRCh37 (hg19) VCF-style: chr12-88496794-T-C.
Other names: c.2818-6A>G (NM_025114.3).
Identifiers: ClinVar variation 2167193 (VCV002167193.5), dbSNP rs2500531138, ClinGen allele CA2580086718.